The following is an entry in ClinVar:

NM_001903.5(CTNNA1):c.2665A>C (p.Lys889Gln)

Gene: CTNNA1 (catenin alpha 1; plus strand). Cytogenetic location: 5q31.2.
Variant type: single nucleotide variant.
Coding change: c.2665A>C on transcript NM_001903.5 (MANE Select); coding-DNA position 2665, A replaced by C.
Protein change: p.Lys889Gln; replaces lysine 889 with glutamine.
Molecular consequence: missense variant. On other transcripts: 3 prime UTR variant (5).
Genome position (GRCh38, 1-based): chr5:138,934,033, A>C. VCF-style: chr5-138934033-A-C. GRCh37 (hg19) VCF-style: chr5-138269722-A-C.
Other names: c.2665A>C (NM_001903.2); c.*210A>C (NM_001290307.3, NM_001324002.1, NM_001324003.1 and 2 more transcripts); c.2356A>C, p.Lys786Gln (NM_001290309.3); c.2296A>C, p.Lys766Gln (NM_001290310.3); c.1555A>C, p.Lys519Gln (NM_001290312.1, NM_001323987.1, NM_001323988.1 and 12 more transcripts); c.2665A>C, p.Lys889Gln (NM_001323982.2, NM_001323983.1, NM_001323984.2); c.2638A>C, p.Lys880Gln (NM_001323985.2); c.2572A>C, p.Lys858Gln (NM_001323986.2); and 4 more; short protein forms K519Q, K880Q, K474Q, K406Q, K438Q, K786Q, K488Q, K766Q.
Identifiers: ClinVar variation 845396 (VCV000845396.14), dbSNP rs1766015674, ClinGen allele CA361135723.

ClinVar aggregate classification (germline): Uncertain significance. Review status: criteria provided, multiple submitters, no conflicts (2 of 4 stars). 4 submissions from 4 submitters: Uncertain significance (4). Last evaluated 2025-07-31.

Conditions:
Patterned macular dystrophy 2. Identifiers: Orphanet 99001, MedGen C1837029, MONDO:0012162, OMIM 608970.
Hereditary cancer-predisposing syndrome. Also called: Tumor predisposition; Hereditary neoplastic syndrome; Neoplastic Syndromes, Hereditary; Hereditary Cancer Syndrome. Identifiers: Orphanet 140162, MedGen C0027672, MeSH D009386, MONDO:0015356.

Allele frequency attached by ClinVar (database versions not stated): gnomAD 0.00001; gnomAD exomes 0.00001.
gnomAD v4.1: 11 of 1,613,916 alleles (0.00068%); highest among the groups gnomAD compares: African/African-American, 0.0013%; no homozygotes.

Submissions (4):

Labcorp Genetics (formerly Invitae), Labcorp
Classification: Uncertain significance. Last evaluated: 2025-07-31. Review status: criteria provided, single submitter. Criteria: Invitae Variant Classification Sherloc (09022015). Collection method: clinical testing. Allele origin: germline.
Comment: This sequence change replaces lysine, which is basic and polar, with glutamine, which is neutral and polar, at codon 889 of the CTNNA1 protein (p.Lys889Gln). This variant is not present in population databases (gnomAD no frequency). This variant has not been reported in the literature in individuals affected with CTNNA1-related conditions. ClinVar contains an entry for this variant (Variation ID: 845396). Invitae Evidence Modeling of protein sequence and biophysical properties (such as structural, functional, and spatial information, amino acid conservation, physicochemical variation, residue mobility, and thermodynamic stability) indicates that this missense variant is not expected to disrupt CTNNA1 protein function with a negative predictive value of 80%. In summary, the available evidence is currently insufficient to determine the role of this variant in disease. Therefore, it has been classified as a Variant of Uncertain Significance.

Ambry Genetics
Classification: Uncertain significance for Hereditary cancer-predisposing syndrome. Last evaluated: 2025-03-13. Review status: criteria provided, single submitter. Criteria: Ambry Variant Classification Scheme 2023. Collection method: clinical testing. Allele origin: germline.
Comment: The p.K889Q variant (also known as c.2665A>C), located in coding exon 17 of the CTNNA1 gene, results from an A to C substitution at nucleotide position 2665. The lysine at codon 889 is replaced by glutamine, an amino acid with similar properties. This amino acid position is highly conserved in available vertebrate species. In addition, the in silico prediction for this alteration is inconclusive. The evidence for this gene-disease relationship is limited; therefore, the clinical significance of this alteration is unclear.

Baylor Genetics
Classification: Uncertain significance for Patterned macular dystrophy 2. Last evaluated: 2023-11-02. Review status: criteria provided, single submitter. Criteria: ACMG Guidelines, 2015. Collection method: clinical testing. Allele origin: unknown.

GeneDx
Classification: Uncertain significance. Last evaluated: 2022-12-29. Review status: criteria provided, single submitter. Criteria: GeneDx Variant Classification Process June 2021. Collection method: clinical testing. Allele origin: germline. Affected: yes.
Comment: Not observed at significant frequency in large population cohorts (gnomAD); In silico analysis supports that this missense variant has a deleterious effect on protein structure/function; Observed in an individual who underwent multi-gene panel testing for unspecified personal and/or family history of cancer (Clark et al., 2020); This variant is associated with the following publications: (PMID: 32051609)